The following is an entry in ClinVar:

NM_000789.4(ACE):c.204C>G (p.Ser68Arg)

Gene: ACE (angiotensin I converting enzyme; plus strand). Cytogenetic location: 17q23.3.
Variant type: single nucleotide variant.
Coding change: c.204C>G on transcript NM_000789.4 (MANE Select); coding-DNA position 204, C replaced by G.
Protein change: p.Ser68Arg; replaces serine 68 with arginine.
Molecular consequence: missense variant. On other transcripts: 5 prime UTR variant (2).
Genome position (GRCh38, 1-based): chr17:63,477,298, C>G. VCF-style: chr17-63477298-C-G. GRCh37 (hg19) VCF-style: chr17-61554659-C-G.
Other names: c.-32C>G (NM_001382700.1); c.-411C>G (NM_001382701.1); short protein forms S68R.
Identifiers: ClinVar variation 1423689 (VCV001423689.6), dbSNP rs1170287329, ClinGen allele CA400539033.

ClinVar aggregate classification (germline): Uncertain significance (1 of 4 stars; one submission).

Allele frequency attached by ClinVar (database versions not stated): gnomAD 0.00001; TOPMed 0.00003; gnomAD exomes 0.00005.
gnomAD v4.1: 37 of 1,442,664 alleles (0.0026%); highest among the groups gnomAD compares: Admixed American, 0.016%; no homozygotes.

Submission:

Labcorp Genetics (formerly Invitae), Labcorp
Classification: Uncertain significance. Last evaluated: 2024-04-22. Review status: criteria provided, single submitter. Criteria: Invitae Variant Classification Sherloc (09022015). Collection method: clinical testing. Allele origin: germline.
Comment: This sequence change replaces serine, which is neutral and polar, with arginine, which is basic and polar, at codon 68 of the ACE protein (p.Ser68Arg). This variant is present in population databases (no rsID available, gnomAD 0.03%). This variant has not been reported in the literature in individuals affected with ACE-related conditions. ClinVar contains an entry for this variant (Variation ID: 1423689). An algorithm developed to predict the effect of missense changes on protein structure and function (PolyPhen-2) suggests that this variant is likely to be tolerated. In summary, the available evidence is currently insufficient to determine the role of this variant in disease. Therefore, it has been classified as a Variant of Uncertain Significance.